The following is an entry in ClinVar:

NM_000062.3(SERPING1):c.925A>T (p.Arg309Ter)

Gene: SERPING1 (serpin family G member 1; plus strand). Cytogenetic location: 11q12.1.
Variant type: single nucleotide variant.
Coding change: c.925A>T on transcript NM_000062.3 (MANE Select); coding-DNA position 925, A replaced by T.
Protein change: p.Arg309Ter; replaces arginine 309 with a stop codon.
Molecular consequence: nonsense.
Genome position (GRCh38, 1-based): chr11:57,606,443, A>T. VCF-style: chr11-57606443-A-T. GRCh37 (hg19) VCF-style: chr11-57373916-A-T.
Other names: c.925A>T, p.Arg309Ter (NM_001032295.2); short protein forms R309*.
Identifiers: ClinVar variation 3338032 (VCV003338032.2).

ClinVar aggregate classification (germline): Pathogenic (1 of 4 stars; one submission).

Conditions:
Hereditary angioedema type 1 (HAE1). Identifiers: Orphanet 100050, Orphanet 100051, Orphanet 91378, MedGen C2717906, MONDO:0015053, OMIM 106100.

Submission:

DNA-diagnostics Laboratory, Research Centre For Medical Genetics
Classification: Pathogenic for Hereditary angioedema type 1. Last evaluated: 2024-08-16. Review status: criteria provided, single submitter. Criteria: ACMG Guidelines, 2015. Collection method: research. Allele origin: paternal. Inheritance: Autosomal dominant inheritance. Affected: yes. Observed: 2 variant alleles, 2 heterozygotes. Clinical features observed: Angioedema (HP:0100665), C1 esterase inhibitor deficiency.
Comment: The pathogenic or likely pathogenic SERPING1 gene variants are detected in >90% of the HAE1/2 families and in >80% of the total HAE families (e.g., DOI: 10.1016/j.molimm.2008.05.007, 10.1159/2F000138883, 10.1016/j.molimm.2011.07.010). Across all SERPING1 gene exons, about 50% of the pathogenic or likely pathogenic variants associated with HAE are LoF (173/297 in ClinVar or 292/596 in HGMD 2022.1). According to our observation the c.925A>T variant in SERPING1 meets ACMG/ClinGen SVI guidance criteria to be classified as pathogenic: PVS1, PP4_Str, PM2_Sup, PP1